The following is an entry in ClinVar:

ClinVar aggregate classification (germline): Uncertain significance. Review status: criteria provided, multiple submitters, no conflicts (2 of 4 stars). 2 submissions from 2 submitters: Uncertain significance (2). Last evaluated 2023-02-10.

Conditions:
Hypertrophic cardiomyopathy. Also called: HYPERTROPHIC MYOCARDIOPATHY. Identifiers: Orphanet 217569, MedGen C0007194, MeSH D002312, MONDO:0005045, HP:0001639.

Submissions (2):

Labcorp Genetics (formerly Invitae), Labcorp
Classification: Uncertain significance for Hypertrophic cardiomyopathy. Last evaluated: 2023-02-10. Review status: criteria provided, single submitter. Criteria: Invitae Variant Classification Sherloc (09022015). Collection method: clinical testing. Allele origin: germline.
Comment: In summary, the available evidence is currently insufficient to determine the role of this variant in disease. Therefore, it has been classified as a Variant of Uncertain Significance. Advanced modeling of protein sequence and biophysical properties (such as structural, functional, and spatial information, amino acid conservation, physicochemical variation, residue mobility, and thermodynamic stability) performed at Invitae indicates that this missense variant is expected to disrupt MYH7 protein function. ClinVar contains an entry for this variant (Variation ID: 430385). This variant has not been reported in the literature in individuals affected with MYH7-related conditions. This variant is not present in population databases (gnomAD no frequency). This sequence change replaces threonine, which is neutral and polar, with alanine, which is neutral and non-polar, at codon 412 of the MYH7 protein (p.Thr412Ala).

GeneDx
Classification: Uncertain significance. Last evaluated: 2017-09-13. Review status: criteria provided, single submitter. Criteria: GeneDx Variant Classification (06012015). Collection method: clinical testing. Allele origin: germline. Affected: yes.
Comment: The T412A variant of uncertain significance in the MYH7 gene has not been published as pathogenic or been reported as benign to our knowledge. T412A is not observed in large population cohorts (Lek et al., 2016; 1000 Genomes Consortium et al., 2015; Exome Variant Server). The T412A variant is a non-conservative amino acid substitution, which is likely to impact secondary protein structure as these residues differ in polarity, charge, size and/or other properties. Moreover, this substitution occurs at a position that is conserved across species, and in silico analysis predicts this variant is probably damaging to the protein structure/function. Although a missense variant in the same residue (T412N), and missense variants in nearby residues (G407C, G407V, N408K, Y410D, V411I) have been reported in the Human Gene Mutation Database in association with cardiomyopathy (Stenson et al., 2014), the pathogenicity of each of these variants has not been definitively determined.

NM_000257.4(MYH7):c.1234A>G (p.Thr412Ala)

Gene: MYH7 (myosin heavy chain 7; minus strand). Cytogenetic location: 14q11.2.
Variant type: single nucleotide variant.
Coding change: c.1234A>G on transcript NM_000257.4 (MANE Select); coding-DNA position 1234, A replaced by G.
Protein change: p.Thr412Ala; replaces threonine 412 with alanine.
Molecular consequence: missense variant.
Genome position (GRCh38, 1-based): chr14:23,429,252, T>C on the plus strand (A>G on the coding strand, the complement: MYH7 is on the minus strand). VCF-style: chr14-23429252-T-C. GRCh37 (hg19) VCF-style: chr14-23898461-T-C.
Other names: c.1234A>G (LRG_384t1); short protein forms T412A.
Identifiers: ClinVar variation 430385 (VCV000430385.10), dbSNP rs730880869, ClinGen allele CA389051068.
Genomic context (GRCh38, chr14:23,429,252, plus strand): 5'-ACCCTGCCCACCCATTATCATCTGAAGATGGACCCACCTGCTGGACATTCTGCCCCTTGG[T>C]GACGTACTCATTGCCCACTTTCACCCGAGGGTGGCACAGCCCCTTGAGCAGGTCGGCTGA-3'
Protein context (NP_000248.2, residues 402-422): PRVKVGNEYV[Thr412Ala]KGQNVQQVIY